The following is an entry in ClinVar:

ClinVar aggregate classification (germline): Uncertain significance. Review status: criteria provided, multiple submitters, no conflicts (2 of 4 stars). 2 submissions from 2 submitters: Uncertain significance (2). Last evaluated 2025-04-05.

Conditions:
Inborn genetic diseases. Identifiers: MedGen C0950123, MeSH D030342.

Allele frequency attached by ClinVar (database versions not stated): ExAC 0.00001; gnomAD 0.00001; gnomAD exomes 0.00001 and 0.00002; TOPMed 0.00001.

Submissions (2):

Ambry Genetics
Classification: Uncertain significance for Inborn genetic diseases. Last evaluated: 2025-04-05. Review status: criteria provided, single submitter. Criteria: Ambry Variant Classification Scheme 2023. Collection method: clinical testing. Allele origin: germline.

Labcorp Genetics (formerly Invitae), Labcorp
Classification: Uncertain significance. Last evaluated: 2022-08-23. Review status: criteria provided, single submitter. Criteria: Invitae Variant Classification Sherloc (09022015). Collection method: clinical testing. Allele origin: germline.
Comment: This sequence change replaces valine, which is neutral and non-polar, with isoleucine, which is neutral and non-polar, at codon 129 of the PEPD protein (p.Val129Ile). This variant is present in population databases (rs760812846, gnomAD 0.009%). This variant has not been reported in the literature in individuals affected with PEPD-related conditions. ClinVar contains an entry for this variant (Variation ID: 1026050). Algorithms developed to predict the effect of missense changes on protein structure and function (SIFT, PolyPhen-2, Align-GVGD) all suggest that this variant is likely to be tolerated. Algorithms developed to predict the effect of sequence changes on RNA splicing suggest that this variant may disrupt the consensus splice site. In summary, the available evidence is currently insufficient to determine the role of this variant in disease. Therefore, it has been classified as a Variant of Uncertain Significance.

NM_000285.4(PEPD):c.385G>A (p.Val129Ile)

Gene: PEPD (peptidase D; minus strand). Cytogenetic location: 19q13.11.
Variant type: single nucleotide variant.
Coding change: c.385G>A on transcript NM_000285.4 (MANE Select); coding-DNA position 385, G replaced by A.
Protein change: p.Val129Ile; replaces valine 129 with isoleucine.
Molecular consequence: missense variant. On other transcripts: intron variant (1).
Genome position (GRCh38, 1-based): chr19:33,500,946, C>T on the plus strand (G>A on the coding strand, the complement: PEPD is on the minus strand). VCF-style: chr19-33500946-C-T. GRCh37 (hg19) VCF-style: chr19-33991852-C-T.
Other names: c.385G>A, p.Val129Ile (NM_001166056.2); c.202-7609G>A (NM_001166057.2); c.385G>A (NM_000285.3); short protein forms V129I.
Identifiers: ClinVar variation 1026050 (VCV001026050.7), dbSNP rs760812846, ClinGen allele CA9364388.